The following is an entry in ClinVar:

NM_001270508.2(TNFAIP3):c.1975G>A (p.Gly659Arg)

Gene: TNFAIP3 (TNF alpha induced protein 3; plus strand). Cytogenetic location: 6q23.3.
Variant type: single nucleotide variant.
Coding change: c.1975G>A on transcript NM_001270508.2 (MANE Select); coding-DNA position 1975, G replaced by A.
Protein change: p.Gly659Arg; replaces glycine 659 with arginine.
Molecular consequence: missense variant.
Genome position (GRCh38, 1-based): chr6:137,880,139, G>A. VCF-style: chr6-137880139-G-A. GRCh37 (hg19) VCF-style: chr6-138201276-G-A.
Other names: c.1975G>A, p.Gly659Arg (NM_001270507.2, NM_006290.4); short protein forms G659R.
Identifiers: ClinVar variation 1937417 (VCV001937417.5), dbSNP rs781029642, ClinGen allele CA4019766.

ClinVar aggregate classification (germline): Uncertain significance (1 of 4 stars; one submission).

Allele frequency attached by ClinVar (database versions not stated): ExAC 0.00001; gnomAD 0.00002; TOPMed 0.00002.
gnomAD v4.1: 92 of 1,614,018 alleles (0.0057%); highest among the groups gnomAD compares: Non-Finnish European, 0.0075%; no homozygotes.

Submission:

Labcorp Genetics (formerly Invitae), Labcorp
Classification: Uncertain significance. Last evaluated: 2024-12-05. Review status: criteria provided, single submitter. Criteria: Invitae Variant Classification Sherloc (09022015). Collection method: clinical testing. Allele origin: germline.
Comment: This sequence change replaces glycine, which is neutral and non-polar, with arginine, which is basic and polar, at codon 659 of the TNFAIP3 protein (p.Gly659Arg). This variant is present in population databases (rs781029642, gnomAD 0.006%). This variant has not been reported in the literature in individuals affected with TNFAIP3-related conditions. ClinVar contains an entry for this variant (Variation ID: 1937417). An algorithm developed to predict the effect of missense changes on protein structure and function (PolyPhen-2) suggests that this variant is likely to be tolerated. In summary, the available evidence is currently insufficient to determine the role of this variant in disease. Therefore, it has been classified as a Variant of Uncertain Significance.